The following is an entry in ClinVar:

ClinVar aggregate classification (germline): Pathogenic (1 of 4 stars; one submission).

Conditions:
Cohen syndrome (COH1). Also called: Cutis verticis gyrata, retinitis pigmentosa, and sensorineural deafness; PEPPER SYNDROME. Identifiers: Orphanet 193, MedGen C0265223, MONDO:0008999, OMIM 216550.

Submission:

Labcorp Genetics (formerly Invitae), Labcorp
Classification: Pathogenic for Cohen syndrome. Last evaluated: 2022-08-06. Review status: criteria provided, single submitter. Criteria: Invitae Variant Classification Sherloc (09022015). Collection method: clinical testing. Allele origin: germline.
Comment: For these reasons, this variant has been classified as Pathogenic. This variant has not been reported in the literature in individuals affected with VPS13B-related conditions. This variant is not present in population databases (gnomAD no frequency). This sequence change creates a premature translational stop signal (p.Gln3571*) in the VPS13B gene. It is expected to result in an absent or disrupted protein product. Loss-of-function variants in VPS13B are known to be pathogenic (PMID: 15141358, 16648375, 20461111).

Literature cited by the submitters: PubMed 15141358; PubMed 16648375; PubMed 20461111.

NM_152564.5(VPS13B):c.10636C>T (p.Gln3546Ter)

Gene: VPS13B (vacuolar protein sorting 13 homolog B; plus strand). Cytogenetic location: 8q22.2.
Variant type: single nucleotide variant.
Coding change: c.10636C>T on transcript NM_152564.5 (MANE Select); coding-DNA position 10636, C replaced by T.
Protein change: p.Gln3546Ter; replaces glutamine 3546 with a stop codon.
Molecular consequence: nonsense.
Genome position (GRCh38, 1-based): chr8:99,854,025, C>T. VCF-style: chr8-99854025-C-T. GRCh37 (hg19) VCF-style: chr8-100866253-C-T.
Other names: c.10711C>T, p.Gln3571Ter (NM_017890.5); short protein forms Q3546*, Q3571*.
Identifiers: ClinVar variation 1930194 (VCV001930194.5), dbSNP rs1672138655, ClinGen allele CA371784700.